The following is an entry in ClinVar:

ClinVar aggregate classification (germline): Likely benign. Review status: criteria provided, multiple submitters, no conflicts (2 of 4 stars). 5 submissions from 5 submitters: Likely benign (5). Last evaluated 2026-04-01.

Conditions:
Inborn genetic diseases. Identifiers: MedGen C0950123, MeSH D030342.
Dyskeratosis congenita, autosomal dominant 6 (DKCA6). Identifiers: Orphanet 3322, MedGen C4225284, MONDO:0014690, OMIM 616553.

Allele frequency attached by ClinVar (database versions not stated): ExAC 0.00002; gnomAD 0.00003; TOPMed 0.00006; 1000 Genomes Project 0.00020; 1000 Genomes Project 30x 0.00031.
gnomAD v4.1: 19 of 1,612,750 alleles (0.0012%); highest among the groups gnomAD compares: African/African-American, 0.016%; no homozygotes.

Submissions (5):

CeGaT Center for Human Genetics Tuebingen
Classification: Likely benign. Last evaluated: 2026-04-01. Review status: criteria provided, single submitter. Criteria: CeGaT Center For Human Genetics Tuebingen Variant Classification Criteria Version 2. Collection method: clinical testing. Allele origin: germline. Affected: yes. Observed: 1 variant allele.
Comment: ACD: BP4, BP7

Labcorp Genetics (formerly Invitae), Labcorp
Classification: Likely benign for Dyskeratosis congenita, autosomal dominant 6. Last evaluated: 2024-10-23. Review status: criteria provided, single submitter. Criteria: Invitae Variant Classification Sherloc (09022015). Collection method: clinical testing. Allele origin: germline.

Women's Health and Genetics/Laboratory Corporation of America, LabCorp
Classification: Likely benign. Last evaluated: 2024-03-12. Review status: criteria provided, single submitter. Criteria: LabCorp Variant Classification Summary - May 2015. Collection method: clinical testing. Allele origin: germline.

Blueprint Genetics
Classification: Likely benign. Last evaluated: 2022-06-14. Review status: criteria provided, single submitter. Criteria: ACMG Guidelines, 2015. Collection method: clinical testing. Allele origin: germline.

Ambry Genetics
Classification: Likely benign for Inborn genetic diseases. Last evaluated: 2022-02-23. Review status: criteria provided, single submitter. Criteria: Ambry Variant Classification Scheme 2023. Collection method: clinical testing. Allele origin: germline.

NM_001082486.2(ACD):c.996C>T (p.His332=)

Gene: ACD (ACD shelterin complex subunit and telomerase recruitment factor; minus strand). Cytogenetic location: 16q22.1.
Variant type: single nucleotide variant.
Coding change: c.996C>T on transcript NM_001082486.2 (MANE Select); coding-DNA position 996, C replaced by T.
Protein change: p.His332=; no amino-acid change (histidine 332 retained).
Molecular consequence: synonymous variant.
Genome position (GRCh38, 1-based): chr16:67,658,196, G>A on the plus strand (C>T on the coding strand, the complement: ACD is on the minus strand). VCF-style: chr16-67658196-G-A. GRCh37 (hg19) VCF-style: chr16-67692099-G-A.
Other names: c.909C>T, p.His303= (NM_001410884.1); c.987C>T, p.His329= (NM_022914.3).
Identifiers: ClinVar variation 1761460 (VCV001761460.11), dbSNP rs560864093, ClinGen allele CA8114468.